The following is an entry in ClinVar:

ClinVar aggregate classification (germline): Conflicting classifications of pathogenicity. Review status: criteria provided, conflicting classifications (1 of 4 stars). 2 submissions from 2 submitters: Likely pathogenic (1); Uncertain significance (1). Last evaluated 2022-04-06.

Conditions:
Macular corneal dystrophy (MCD). Also called: GROENOUW TYPE II CORNEAL DYSTROPHY; Macular corneal dystrophy Type I. Identifiers: Orphanet 98969, MedGen C1636149, MONDO:0009020, OMIM 217800.

Submissions (2):

GeneDx
Classification: Likely pathogenic. Last evaluated: 2022-04-06. Review status: criteria provided, single submitter. Criteria: GeneDx Variant Classification Process June 2021. Collection method: clinical testing. Allele origin: germline. Affected: yes.
Comment: In silico analysis supports a deleterious effect on protein structure/function; Not observed in large population cohorts (gnomAD); This variant is associated with the following publications: (PMID: 17962390, 16568029, 19337156, 16207214, 19204788, 32472422)

Baylor Genetics
Classification: Uncertain significance for Macular corneal dystrophy. Last evaluated: 2019-12-05. Review status: criteria provided, single submitter. Criteria: ACMG Guidelines, 2015. Collection method: clinical testing. Allele origin: unknown. Affected: yes.
Comment: This variant was determined to be of uncertain significance according to ACMG Guidelines, 2015 [PMID:25741868].

NM_021615.5(CHST6):c.494_495delinsCT (p.Cys165Ser)

Gene: CHST6 (carbohydrate sulfotransferase 6; minus strand). Cytogenetic location: 16q23.1.
Variant type: Indel.
Coding change: c.494_495delinsCT on transcript NM_021615.5 (MANE Select); coding-DNA positions 494 to 495, GC replaced by CT.
Protein change: p.Cys165Ser; replaces cysteine 165 with serine.
Molecular consequence: missense variant.
Genome position (GRCh38, 1-based): chr16:75,479,334-75,479,335, GC replaced by AG on the plus strand (GC replaced by CT on the coding strand, the reverse complement: CHST6 is on the minus strand). VCF-style: chr16-75479334-GC-AG. GRCh37 (hg19) VCF-style: chr16-75513232-GC-AG.
Other names: short protein forms C165S.
Identifiers: ClinVar variation 1029816 (VCV001029816.3), dbSNP rs2080109094, ClinGen allele CA2233372978.